The following is an entry in ClinVar:

NM_000059.4(BRCA2):c.4975T>G (p.Ser1659Ala)

Gene: BRCA2 (BRCA2 DNA repair associated; plus strand). Cytogenetic location: 13q13.1.
Variant type: single nucleotide variant.
Coding change: c.4975T>G on transcript NM_000059.4 (MANE Select); coding-DNA position 4975, T replaced by G.
Protein change: p.Ser1659Ala; replaces serine 1659 with alanine.
Molecular consequence: missense variant.
Genome position (GRCh38, 1-based): chr13:32,339,330, T>G. VCF-style: chr13-32339330-T-G. GRCh37 (hg19) VCF-style: chr13-32913467-T-G.
Other names: 5203T>G; short protein forms S1659A.
Identifiers: ClinVar variation 96812 (VCV000096812.23), dbSNP rs431825324, ClinGen allele CA021085.

ClinVar aggregate classification (germline): Conflicting classifications of pathogenicity. Review status: criteria provided, conflicting classifications (1 of 4 stars). 7 submissions from 7 submitters: Uncertain significance (5); Likely benign (1). 1 of the submissions does not count toward it. Last evaluated 2025-11-26.

Conditions:
Hereditary cancer-predisposing syndrome. Also called: Hereditary Cancer Syndrome; Neoplastic Syndromes, Hereditary; Hereditary neoplastic syndrome; Tumor predisposition. Identifiers: Orphanet 140162, MedGen C0027672, MeSH D009386, MONDO:0015356.
Hereditary breast ovarian cancer syndrome. Also called: Breast and ovarian cancer; Hereditary breast and/or ovarian cancer syndrome; Hereditary breast and ovarian cancer; Hereditary breast and ovarian cancer syndrome; Hereditary breast and ovarian cancer syndrome (HBOC); BRCA1- and BRCA2-Associated Hereditary Breast and Ovarian Cancer. Identifiers: Orphanet 145, MedGen C0677776, MeSH D061325, MONDO:0003582. Disease mechanism: loss of function.
Breast-ovarian cancer, familial, susceptibility to, 2 (BROVCA2). Also called: BRCA2 Hereditary Breast and Ovarian Cancer. Identifiers: Orphanet 145, MedGen C2675520, MONDO:0012933, OMIM 612555. Disease mechanism: loss of function.

gnomAD v4.1: 2 of 1,592,396 alleles (0.00013%); highest among the groups gnomAD compares: Non-Finnish European, 0.000085%; no homozygotes.

Submissions (7):

Labcorp Genetics (formerly Invitae), Labcorp
Classification: Uncertain significance for Hereditary breast ovarian cancer syndrome. Last evaluated: 2025-11-26. Review status: criteria provided, single submitter. Criteria: Invitae Variant Classification Sherloc (09022015). Collection method: clinical testing. Allele origin: germline.
Comment: This sequence change replaces serine, which is neutral and polar, with alanine, which is neutral and non-polar, at codon 1659 of the BRCA2 protein (p.Ser1659Ala). This variant is not present in population databases (gnomAD no frequency). This variant has not been reported in the literature in individuals affected with BRCA2-related conditions. ClinVar contains an entry for this variant (Variation ID: 96812). Invitae Evidence Modeling of protein sequence and biophysical properties (such as structural, functional, and spatial information, amino acid conservation, physicochemical variation, residue mobility, and thermodynamic stability) indicates that this missense variant is not expected to disrupt BRCA2 protein function with a negative predictive value of 95%. In summary, the available evidence is currently insufficient to determine the role of this variant in disease. Therefore, it has been classified as a Variant of Uncertain Significance.

Ambry Genetics
Classification: Uncertain significance for Hereditary cancer-predisposing syndrome. Last evaluated: 2025-01-14. Review status: criteria provided, single submitter. Criteria: Ambry Variant Classification Scheme 2023. Collection method: clinical testing. Allele origin: germline.
Comment: The p.S1659A variant (also known as c.4975T>G), located in coding exon 10 of the BRCA2 gene, results from a T to G substitution at nucleotide position 4975. The serine at codon 1659 is replaced by alanine, an amino acid with similar properties. This amino acid position is not well conserved in available vertebrate species. In addition, this alteration is predicted to be tolerated by in silico analysis. Since supporting evidence is limited at this time, the clinical significance of this alteration remains unclear.

All of Us Research Program, National Institutes of Health
Classification: Uncertain significance for Breast-ovarian cancer, familial, susceptibility to, 2. Last evaluated: 2023-08-15. Review status: criteria provided, single submitter. Criteria: ACMG Guidelines, 2015. Collection method: clinical testing. Allele origin: germline. Inheritance: Autosomal dominant inheritance. Observed: 1 variant allele, 1 heterozygote.
Comment: This study involves interpretation of variants in research participants for the purpose of population health screening. Participant phenotype was not available at the time of variant classification. Additional details can be found in publication PMID: 35346344, PMCID: PMC8962531

University of Washington Department of Laboratory Medicine, University of Washington
Classification: Likely benign for Hereditary cancer-predisposing syndrome. Last evaluated: 2023-03-23. Review status: criteria provided, single submitter. Criteria: Dines et al. (Genet Med. 2020). Collection method: curation. Allele origin: germline.
Comment: Missense variant in a coldspot region where missense variants are very unlikely to be pathogenic (PMID:31911673).

BRCA2 exon 11 coldspot. Reclassification based on statistical prior probability.

GeneDx
Classification: Uncertain significance. Last evaluated: 2020-12-29. Review status: criteria provided, single submitter. Criteria: GeneDx Variant Classification Process June 2021. Collection method: clinical testing. Allele origin: germline. Affected: yes.
Comment: Has not been previously published as pathogenic or benign to our knowledge; Not observed in large population cohorts (Lek 2016); In silico analysis supports that this missense variant does not alter protein structure/function; Also known as 5203T>G

Color Diagnostics, LLC DBA Color Health
Classification: Uncertain significance for Hereditary cancer-predisposing syndrome. Last evaluated: 2019-04-17. Review status: criteria provided, single submitter. Criteria: ACMG Guidelines, 2015. Collection method: clinical testing. Allele origin: germline.

Sharing Clinical Reports Project (SCRP)
Classification: Uncertain significance for Breast-ovarian cancer, familial 2. Last evaluated: 2011-08-31. Review status: no assertion criteria provided. Collection method: clinical testing. Allele origin: germline. Not counted in ClinVar's aggregate classification.